The following is an entry in ClinVar:

NM_001379081.2(FREM1):c.1166T>C (p.Val389Ala)

Gene: FREM1 (FRAS1 related extracellular matrix 1; minus strand). Cytogenetic location: 9p22.3.
Variant type: single nucleotide variant.
Coding change: c.1166T>C on transcript NM_001379081.2 (MANE Select); coding-DNA position 1166, T replaced by C.
Protein change: p.Val389Ala; replaces valine 389 with alanine.
Molecular consequence: missense variant. On other transcripts: non-coding transcript variant (4).
Genome position (GRCh38, 1-based): chr9:14,848,760, A>G on the plus strand (T>C on the coding strand, the complement: FREM1 is on the minus strand). VCF-style: chr9-14848760-A-G. GRCh37 (hg19) VCF-style: chr9-14848758-A-G.
Other names: c.1193T>C, p.Val398Ala (NM_001370060.1); c.1166T>C, p.Val389Ala (NM_001370063.1, NM_001370065.1, NM_144966.7); short protein forms V389A, V398A.
Identifiers: ClinVar variation 1380998 (VCV001380998.6), dbSNP rs772311418, ClinGen allele CA4991337.
Genomic context (GRCh38, chr9:14,848,760, plus strand): 5'-GCTGTTCTGATGGAGATGTGGACTGTCATAGGTGCACTCCTTTCAAAGAAGAAGTCGTAT[A>G]CCTCCAATTCTACCTGTAAACAAACAGAGGCAAAGGAGCCACACACTGAAGCGTTACAGG-3'
Protein context (NP_001366010.1, residues 379-399): ERRHDEVELE[Val389Ala]YDFFFERSAP

ClinVar aggregate classification (germline): Uncertain significance (1 of 4 stars; one submission).

Allele frequency attached by ClinVar (database versions not stated): gnomAD 0.00001; gnomAD exomes 0.00001 and 0.00002; TOPMed 0.00002; ExAC 0.00003.
gnomAD v4.1: 13 of 1,607,680 alleles (0.00081%); highest among the groups gnomAD compares: South Asian, 0.0077%; no homozygotes.

Submission:

Labcorp Genetics (formerly Invitae), Labcorp
Classification: Uncertain significance. Last evaluated: 2021-10-27. Review status: criteria provided, single submitter. Criteria: Invitae Variant Classification Sherloc (09022015). Collection method: clinical testing. Allele origin: germline.
Comment: This sequence change replaces valine, a(n) neutral and non-polar amino acid, with alanine, a(n) neutral and non-polar amino acid, at codon 389 of the FREM1 protein (p.Val389Ala). This variant is present in population databases (rs772311418, gnomAD 0.006%). This variant has not been reported in the literature in individuals affected with FREM1-related conditions. Algorithms developed to predict the effect of missense changes on protein structure and function output the following: SIFT: "Deleterious"; PolyPhen-2: "Benign"; Align-GVGD: "Class C0". The alanine amino acid residue is found in multiple mammalian species, which suggests that this missense change does not adversely affect protein function. In summary, the available evidence is currently insufficient to determine the role of this variant in disease. Therefore, it has been classified as a Variant of Uncertain Significance.